The following is an entry in ClinVar:

NM_024649.5(BBS1):c.614C>T (p.Thr205Ile)

Gene: BBS1 (Bardet-Biedl syndrome 1; plus strand). Cytogenetic location: 11q13.2.
Variant type: single nucleotide variant.
Coding change: c.614C>T on transcript NM_024649.5 (MANE Select); coding-DNA position 614, C replaced by T.
Protein change: p.Thr205Ile; replaces threonine 205 with isoleucine.
Molecular consequence: missense variant.
Genome position (GRCh38, 1-based): chr11:66,519,639, C>T. VCF-style: chr11-66519639-C-T. GRCh37 (hg19) VCF-style: chr11-66287110-C-T.
Other names: short protein forms T205I.
Identifiers: ClinVar variation 2813911 (VCV002813911.3), dbSNP rs2495752403, ClinGen allele CA381458665.
Genomic context (GRCh38, chr11:66,519,639, plus strand): 5'-TGGAGGTTCCCTGGGTGACCCCTGGAGTCCTTCTGTAGACAGTCATCACCACCATGACCA[C>T]CTTGAAGAAGAACCTGGCTGACGAGGATGCTGTGTCTTGCCTGGTGCTGGGCACCGAGAA-3'
Protein context (NP_078925.3, residues 195-215): KRQTVITTMT[Thr205Ile]LKKNLADEDA

ClinVar aggregate classification (germline): Uncertain significance (1 of 4 stars; one submission).

Conditions:
Bardet-Biedl syndrome (BBS). Identifiers: Orphanet 110, MedGen C0752166, MONDO:0015229.

Submission:

Labcorp Genetics (formerly Invitae), Labcorp
Classification: Uncertain significance for Bardet-Biedl syndrome. Last evaluated: 2024-01-24. Review status: criteria provided, single submitter. Criteria: Invitae Variant Classification Sherloc (09022015). Collection method: clinical testing. Allele origin: germline.
Comment: This sequence change replaces threonine, which is neutral and polar, with isoleucine, which is neutral and non-polar, at codon 205 of the BBS1 protein (p.Thr205Ile). This variant is not present in population databases (gnomAD no frequency). This variant has not been reported in the literature in individuals affected with BBS1-related conditions. Advanced modeling of protein sequence and biophysical properties (such as structural, functional, and spatial information, amino acid conservation, physicochemical variation, residue mobility, and thermodynamic stability) performed at Invitae indicates that this missense variant is not expected to disrupt BBS1 protein function with a negative predictive value of 80%. In summary, the available evidence is currently insufficient to determine the role of this variant in disease. Therefore, it has been classified as a Variant of Uncertain Significance.